The following is an entry in ClinVar:

NM_000878.5(IL2RB):c.369C>A (p.Asp123Glu)

Gene: IL2RB (interleukin 2 receptor subunit beta; minus strand). Cytogenetic location: 22q12.3.
Variant type: single nucleotide variant.
Coding change: c.369C>A on transcript NM_000878.5 (MANE Select); coding-DNA position 369, C replaced by A.
Protein change: p.Asp123Glu; replaces aspartic acid 123 with glutamic acid.
Molecular consequence: missense variant.
Genome position (GRCh38, 1-based): chr22:37,139,136, G>T on the plus strand (C>A on the coding strand, the complement: IL2RB is on the minus strand). VCF-style: chr22-37139136-G-T. GRCh37 (hg19) VCF-style: chr22-37535176-G-T.
Other names: c.369C>A, p.Asp123Glu (NM_001346222.1, NM_001346223.2); short protein forms D123E.
Identifiers: ClinVar variation 3637866 (VCV003637866.1).

ClinVar aggregate classification (germline): Uncertain significance (1 of 4 stars; one submission).

gnomAD v4.1: 4 of 1,612,892 alleles (0.00025%); highest among the groups gnomAD compares: East Asian, 0.0022%; no homozygotes.

Submission:

Labcorp Genetics (formerly Invitae), Labcorp
Classification: Uncertain significance. Last evaluated: 2024-05-26. Review status: criteria provided, single submitter. Criteria: Invitae Variant Classification Sherloc (09022015). Collection method: clinical testing. Allele origin: germline.
Comment: This sequence change replaces aspartic acid, which is acidic and polar, with glutamic acid, which is acidic and polar, at codon 123 of the IL2RB protein (p.Asp123Glu). This variant is present in population databases (rs770365586, gnomAD 0.006%). This variant has not been reported in the literature in individuals affected with IL2RB-related conditions. Algorithms developed to predict the effect of missense changes on protein structure and function output the following: SIFT: "Not Available"; PolyPhen-2: "Benign"; Align-GVGD: "Not Available". The glutamic acid amino acid residue is found in multiple mammalian species, which suggests that this missense change does not adversely affect protein function. In summary, the available evidence is currently insufficient to determine the role of this variant in disease. Therefore, it has been classified as a Variant of Uncertain Significance.